The following is an entry in ClinVar:

ClinVar aggregate classification (germline): Benign (0 of 4 stars; one submission).

Conditions:
PFKL-related disorder. Also called: PFKL-related condition.

Allele frequency attached by ClinVar (database versions not stated): 1000 Genomes Project 30x 0.01577; 1000 Genomes Project 0.01737; gnomAD 0.03196; TOPMed 0.03414; ExAC 0.03528; ESP Exome Variant Server 0.03540.
gnomAD v4.1: 58,602 of 1,366,024 alleles (4.3%); highest among the groups gnomAD compares: Non-Finnish European, 5%; 1,515 homozygotes.

Submission:

PreventionGenetics, part of Exact Sciences
Classification: Benign for PFKL-related condition. Last evaluated: 2020-06-05. Review status: no assertion criteria provided. Collection method: clinical testing. Allele origin: germline.
Comment: This variant is classified as benign based on ACMG/AMP sequence variant interpretation guidelines (Richards et al. 2015 PMID: 25741868, with internal and published modifications).

NM_002626.6(PFKL):c.86-818C>T

Gene: PFKL (phosphofructokinase, liver type; plus strand). Cytogenetic location: 21q22.3.
Variant type: single nucleotide variant.
Coding change: c.86-818C>T on transcript NM_002626.6 (MANE Select); 818 bases into the intron before coding-DNA position 86, C replaced by T.
Molecular consequence: intron variant. On other transcripts: nonsense (1).
Genome position (GRCh38, 1-based): chr21:44,305,863, C>T. VCF-style: chr21-44305863-C-T. GRCh37 (hg19) VCF-style: chr21-45725746-C-T.
Other names: c.163C>T, p.Arg55Ter (NM_001002021.3); short protein forms R55*.
Identifiers: ClinVar variation 3059937 (VCV003059937.2), dbSNP rs118169148, ClinGen allele CA10052344.